The following is an entry in ClinVar:

NM_004655.4(AXIN2):c.2169C>A (p.Asp723Glu)

Gene: AXIN2 (axin 2; minus strand). Cytogenetic location: 17q24.1.
Variant type: single nucleotide variant.
Coding change: c.2169C>A on transcript NM_004655.4 (MANE Select); coding-DNA position 2169, C replaced by A.
Protein change: p.Asp723Glu; replaces aspartic acid 723 with glutamic acid.
Molecular consequence: missense variant.
Genome position (GRCh38, 1-based): chr17:65,535,694, G>T on the plus strand (C>A on the coding strand, the complement: AXIN2 is on the minus strand). VCF-style: chr17-65535694-G-T. GRCh37 (hg19) VCF-style: chr17-63531812-G-T.
Other names: c.1974C>A, p.Asp658Glu (NM_001363813.1); short protein forms D658E, D723E.
Identifiers: ClinVar variation 2827096 (VCV002827096.4), dbSNP rs763114786, ClinGen allele CA400675826.

ClinVar aggregate classification (germline): Uncertain significance. Review status: criteria provided, multiple submitters, no conflicts (2 of 4 stars). 2 submissions from 2 submitters: Uncertain significance (2). Last evaluated 2025-02-09.

Conditions:
Hereditary cancer-predisposing syndrome. Also called: Neoplastic Syndromes, Hereditary; Hereditary neoplastic syndrome; Tumor predisposition; Hereditary Cancer Syndrome. Identifiers: Orphanet 140162, MedGen C0027672, MeSH D009386, MONDO:0015356.
Oligodontia-cancer predisposition syndrome. Also called: TOOTH AGENESIS-COLORECTAL CANCER SYNDROME. Identifiers: Orphanet 300576, MedGen C1837750, MONDO:0012075, OMIM 608615. Disease mechanism: loss of function.

Submissions (2):

Ambry Genetics
Classification: Uncertain significance for Hereditary cancer-predisposing syndrome. Last evaluated: 2025-02-09. Review status: criteria provided, single submitter. Criteria: Ambry Variant Classification Scheme 2023. Collection method: clinical testing. Allele origin: germline.
Comment: The p.D723E variant (also known as c.2169C>A), located in coding exon 8 of the AXIN2 gene, results from a C to A substitution at nucleotide position 2169. The aspartic acid at codon 723 is replaced by glutamic acid, an amino acid with highly similar properties. This amino acid position is conserved. In addition, this alteration is predicted to be tolerated by in silico analysis. Based on the available evidence, the clinical significance of this variant remains unclear.

Labcorp Genetics (formerly Invitae), Labcorp
Classification: Uncertain significance for Oligodontia-cancer predisposition syndrome. Last evaluated: 2023-01-08. Review status: criteria provided, single submitter. Criteria: Invitae Variant Classification Sherloc (09022015). Collection method: clinical testing. Allele origin: germline.
Comment: In summary, the available evidence is currently insufficient to determine the role of this variant in disease. Therefore, it has been classified as a Variant of Uncertain Significance. Advanced modeling of protein sequence and biophysical properties (such as structural, functional, and spatial information, amino acid conservation, physicochemical variation, residue mobility, and thermodynamic stability) performed at Invitae indicates that this missense variant is not expected to disrupt AXIN2 protein function. This variant has not been reported in the literature in individuals affected with AXIN2-related conditions. This variant is not present in population databases (gnomAD no frequency). This sequence change replaces aspartic acid, which is acidic and polar, with glutamic acid, which is acidic and polar, at codon 723 of the AXIN2 protein (p.Asp723Glu).